The following is an entry in ClinVar:

NM_017999.5(RNF31):c.182C>T (p.Ala61Val)

Gene: RNF31 (ring finger protein 31; plus strand). Cytogenetic location: 14q12.
Variant type: single nucleotide variant.
Coding change: c.182C>T on transcript NM_017999.5 (MANE Select); coding-DNA position 182, C replaced by T.
Protein change: p.Ala61Val; replaces alanine 61 with valine.
Molecular consequence: missense variant. On other transcripts: intron variant (1).
Genome position (GRCh38, 1-based): chr14:24,147,880, C>T. VCF-style: chr14-24147880-C-T. GRCh37 (hg19) VCF-style: chr14-24617089-C-T.
Other names: c.-325-96C>T (NM_001310332.2); short protein forms A61V.
Identifiers: ClinVar variation 3712883 (VCV003712883.2).

ClinVar aggregate classification (germline): Uncertain significance (1 of 4 stars; one submission).

Submission:

Labcorp Genetics (formerly Invitae), Labcorp
Classification: Uncertain significance. Last evaluated: 2024-05-29. Review status: criteria provided, single submitter. Criteria: Invitae Variant Classification Sherloc (09022015). Collection method: clinical testing. Allele origin: germline.
Comment: This sequence change replaces alanine, which is neutral and non-polar, with valine, which is neutral and non-polar, at codon 61 of the RNF31 protein (p.Ala61Val). This variant is present in population databases (no rsID available, gnomAD 0.003%). This variant has not been reported in the literature in individuals affected with RNF31-related conditions. Algorithms developed to predict the effect of missense changes on protein structure and function output the following: SIFT: "Not Available"; PolyPhen-2: "Benign"; Align-GVGD: "Not Available". The valine amino acid residue is found in multiple mammalian species, which suggests that this missense change does not adversely affect protein function. In summary, the available evidence is currently insufficient to determine the role of this variant in disease. Therefore, it has been classified as a Variant of Uncertain Significance.